The following is an entry in ClinVar:

ClinVar aggregate classification (germline): Uncertain significance (1 of 4 stars; one submission).

Conditions:
Diamond-Blackfan anemia. Also called: Blackfan Diamond syndrome; Aregenerative anemia chronic congenital; Red cell aplasia, pure hereditary; Congenital hypoplastic anemia; Aase syndrome. Identifiers: Orphanet 124, MedGen C1260899, MeSH D029503, MONDO:0015253, HP:0004810.
GATA binding protein 1 related thrombocytopenia with dyserythropoiesis. Also called: GATA1-Related Cytopenia; GATA1-Related X-Linked Cytopenia. Identifiers: MedGen C1845837, MONDO:0100089.

gnomAD v4.1: 1 of 1,207,883 alleles (0.000083%); highest among the groups gnomAD compares: African/African-American, 0.0017%; no homozygotes.

Submission:

Labcorp Genetics (formerly Invitae), Labcorp
Classification: Uncertain significance for GATA binding protein 1 related thrombocytopenia with dyserythropoiesis; Diamond-Blackfan anemia. Last evaluated: 2025-12-06. Review status: criteria provided, single submitter. Criteria: Invitae Variant Classification Sherloc (09022015). Collection method: clinical testing. Allele origin: germline.
Comment: This sequence change replaces glycine, which is neutral and non-polar, with aspartic acid, which is acidic and polar, at codon 5 of the GATA1 protein (p.Gly5Asp). This variant is not present in population databases (gnomAD no frequency). This variant has not been reported in the literature in individuals affected with GATA1-related conditions. Invitae Evidence Modeling of protein sequence and biophysical properties (such as structural, functional, and spatial information, amino acid conservation, physicochemical variation, residue mobility, and thermodynamic stability) has been performed for this missense variant. However, the output from this modeling did not meet the statistical confidence thresholds required to predict the impact of this variant on GATA1 protein function. In summary, the available evidence is currently insufficient to determine the role of this variant in disease. Therefore, it has been classified as a Variant of Uncertain Significance.

NM_002049.4(GATA1):c.14G>A (p.Gly5Asp)

Gene: GATA1 (GATA binding protein 1; plus strand). Cytogenetic location: Xp11.23.
Variant type: single nucleotide variant.
Coding change: c.14G>A on transcript NM_002049.4 (MANE Select); coding-DNA position 14, G replaced by A.
Protein change: p.Gly5Asp; replaces glycine 5 with aspartic acid.
Molecular consequence: missense variant.
Genome position (GRCh38, 1-based): chrX:48,791,123, G>A. VCF-style: chrX-48791123-G-A. GRCh37 (hg19) VCF-style: chrX-48649530-G-A.
Other names: short protein forms G5D.
Identifiers: ClinVar variation 4783755 (VCV004783755.1).